The following is an entry in ClinVar:

NM_001429.4(EP300):c.2805G>A (p.Gln935=)

Gene: EP300 (EP300 lysine acetyltransferase; plus strand). Cytogenetic location: 22q13.2.
Variant type: single nucleotide variant.
Coding change: c.2805G>A on transcript NM_001429.4 (MANE Select); coding-DNA position 2805, G replaced by A.
Protein change: p.Gln935=; no amino-acid change (glutamine 935 retained).
Molecular consequence: synonymous variant.
Genome position (GRCh38, 1-based): chr22:41,150,186, G>A. VCF-style: chr22-41150186-G-A. GRCh37 (hg19) VCF-style: chr22-41546190-G-A.
Other names: c.2805G>A (NM_001429.3); c.2727G>A, p.Gln909= (NM_001362843.2).
Identifiers: ClinVar variation 2778407 (VCV002778407.5), dbSNP rs376996214, ClinGen allele CA10252949.

ClinVar aggregate classification (germline): Likely benign. Review status: criteria provided, multiple submitters, no conflicts (2 of 4 stars). 3 submissions from 3 submitters: Likely benign (3). Last evaluated 2026-09-01.

Conditions:
Rubinstein-Taybi syndrome due to EP300 haploinsufficiency. Also called: RUBINSTEIN-TAYBI SYNDROME 2; EP300-Related Rubinstein-Taybi Syndrome. Identifiers: Orphanet 353284, Orphanet 783, MedGen C3150941, MONDO:0013364, OMIM 613684.
EP300-related disorder. Also called: EP300-related condition; EP300-related disorders.

Allele frequency attached by ClinVar (database versions not stated): TOPMed 0.00002; ExAC 0.00003; gnomAD 0.00003; gnomAD exomes 0.00003; ESP Exome Variant Server 0.00008.

Submissions (3):

CeGaT Center for Human Genetics Tuebingen
Classification: Likely benign. Last evaluated: 2026-09-01. Review status: criteria provided, single submitter. Criteria: CeGaT Center For Human Genetics Tuebingen Variant Classification Criteria Version 2. Collection method: clinical testing. Allele origin: germline. Affected: yes. Observed: 1 variant allele.
Comment: EP300: BP4, BP7

Labcorp Genetics (formerly Invitae), Labcorp
Classification: Likely benign for Rubinstein-Taybi syndrome due to EP300 haploinsufficiency. Last evaluated: 2025-10-20. Review status: criteria provided, single submitter. Criteria: Invitae Variant Classification Sherloc (09022015). Collection method: clinical testing. Allele origin: germline.

PreventionGenetics, part of Exact Sciences
Classification: Likely benign for EP300-related condition. Last evaluated: 2024-10-10. Review status: criteria provided, single submitter. Criteria: ACMG Guidelines, 2015. Collection method: clinical testing. Allele origin: germline.
Comment: This variant is classified as likely benign based on ACMG/AMP sequence variant interpretation guidelines (Richards et al. 2015 PMID: 25741868, with internal and published modifications).